The following is an entry in ClinVar:

ClinVar aggregate classification (germline): Pathogenic (1 of 4 stars; one submission).

Conditions:
Hereditary cancer-predisposing syndrome. Also called: Neoplastic Syndromes, Hereditary; Hereditary Cancer Syndrome; Hereditary neoplastic syndrome; Tumor predisposition. Identifiers: Orphanet 140162, MedGen C0027672, MeSH D009386, MONDO:0015356.

Submission:

Ambry Genetics
Classification: Pathogenic for Hereditary cancer-predisposing syndrome. Last evaluated: 2023-03-28. Review status: criteria provided, single submitter. Criteria: Ambry Variant Classification Scheme 2023. Collection method: clinical testing. Allele origin: germline.
Comment: The c.536_537delTG pathogenic mutation, located in coding exon 5 of the TSC2 gene, results from a deletion of two nucleotides at nucleotide positions 536 to 537, causing a translational frameshift with a predicted alternate stop codon (p.V179Afs*9). This alteration has been observed in at least one individual with a personal and/or family history that is consistent with TSC2-related disease (Ambry internal data). This alteration is expected to result in loss of function by premature protein truncation or nonsense-mediated mRNA decay. As such, this alteration is interpreted as a disease-causing mutation.

NM_000548.5(TSC2):c.536_537del (p.Val179fs)

Gene: TSC2 (TSC complex subunit 2; plus strand). Cytogenetic location: 16p13.3.
Variant type: Deletion.
Coding change: c.536_537del on transcript NM_000548.5 (MANE Select); coding-DNA positions 536 to 537, 2 bases deleted (TG; older notation c.536_537delTG).
Protein change: p.Val179fs; shifts the reading frame from valine 179.
Molecular consequence: frameshift variant. On other transcripts: 5 prime UTR variant (13), non-coding transcript variant (5), intron variant (6).
Genome position (GRCh38, 1-based): chr16:2,055,456-2,055,457, TG deleted; deleting any 2 consecutive bases within chr16:2,055,455-2,055,457 gives the same sequence; the c. name uses the placement nearest the transcript's 3' end. VCF-style (leftmost placement, unchanged base first): chr16-2055454-GGT-G. GRCh37 (hg19) VCF-style: chr16-2105455-GGT-G.
Other names: c.536_537del, p.Val179fs (NM_001077183.3, NM_021055.3, NM_001114382.3 and 8 more transcripts); c.389_390del, p.Val130fs (NM_001406676.1, NM_001406679.1, NM_001318829.2 and 1 more transcripts); c.479_480del, p.Val160fs (NM_001406677.1); c.425_426del, p.Val142fs (NM_001406678.1, NM_001318827.2, NM_001406670.1); c.-281_-280del (NM_001406680.1, NM_001406683.1, NM_001406687.1); c.74_75del, p.Val25fs (NM_001406681.1); c.-896_-895del (NM_001406689.1, NM_001406690.1, NM_001406691.1 and 2 more transcripts); c.-1112_-1111del (NM_001406693.1); and 6 more; short protein forms V130fs, V179fs, V25fs, V190fs, V209fs, V142fs, V160fs.
Identifiers: ClinVar variation 2564614 (VCV002564614.2), dbSNP rs2548434695, ClinGen allele CA2580612700.